The following is an entry in ClinVar:

NM_001039591.3(USP9X):c.7546del (p.Gln2516fs)

Gene: USP9X (ubiquitin specific peptidase 9 X-linked; plus strand). Cytogenetic location: Xp11.4.
Variant type: Deletion.
Coding change: c.7546del on transcript NM_001039591.3 (MANE Select); coding-DNA position 7546, one base deleted (C; older notation c.7546delC).
Protein change: p.Gln2516fs; shifts the reading frame from glutamine 2516.
Molecular consequence: frameshift variant.
Genome position (GRCh38, 1-based): chrX:41,232,405, C deleted. VCF-style (leftmost placement, unchanged base first): chrX-41232404-AC-A. GRCh37 (hg19) VCF-style: chrX-41091657-AC-A.
Other names: c.7594del, p.Gln2532fs (NM_001039590.3); c.7609del, p.Gln2537fs (NM_001410748.1); c.7561del, p.Gln2521fs (NM_001410749.1, NM_001437534.1); short protein forms Q2516fs, Q2521fs, Q2532fs, Q2537fs.
Identifiers: ClinVar variation 4530894 (VCV004530894.1).
Genomic context (GRCh38, chrX:41,232,404, plus strand): 5'-TATGTGAAAAGTTTTAACATACAGATCTTTTCTCCTTTCCCAGAATAACCATGTGCATGG[AC>A]AGCCATATACAGGCCCAGCAGCACATCACATGAACAACCCTCAGAGAACTGGCCAACGAG-3'

ClinVar aggregate classification (germline): Uncertain significance (1 of 4 stars; one submission).

Submission:

GeneDx
Classification: Uncertain significance. Last evaluated: 2025-05-21. Review status: criteria provided, single submitter. Criteria: GeneDx Variant Classification Process June 2021. Collection method: clinical testing. Allele origin: germline. Affected: yes.
Comment: Frameshift variant predicted to result in abnormal protein length as the last 39 amino acid(s) are replaced with 10 different amino acid(s); Not observed at significant frequency in large population cohorts (gnomAD); Has not been previously published as pathogenic or benign to our knowledge